The following is an entry in ClinVar:

NM_017934.7(PHIP):c.2048C>T (p.Ser683Leu)

Gene: PHIP (PHIP subunit of CUL4-Ring ligase complex; minus strand). Cytogenetic location: 6q14.1.
Variant type: single nucleotide variant.
Coding change: c.2048C>T on transcript NM_017934.7 (MANE Select); coding-DNA position 2048, C replaced by T.
Protein change: p.Ser683Leu; replaces serine 683 with leucine.
Molecular consequence: missense variant.
Genome position (GRCh38, 1-based): chr6:78,997,567, G>A on the plus strand (C>T on the coding strand, the complement: PHIP is on the minus strand). VCF-style: chr6-78997567-G-A. GRCh37 (hg19) VCF-style: chr6-79707284-G-A.
Other names: short protein forms S683L.
Identifiers: ClinVar variation 3347370 (VCV003347370.1).

ClinVar aggregate classification (germline): Uncertain significance (0 of 4 stars; one submission).

Conditions:
PHIP-related disorder. Also called: PHIP-related condition; PHIP-related disorders.

gnomAD v4.1: 2 of 1,613,622 alleles (0.00012%); highest among the groups gnomAD compares: Non-Finnish European, 0.00017%; no homozygotes.

Submission:

PreventionGenetics, part of Exact Sciences
Classification: Uncertain significance for PHIP-related condition. Last evaluated: 2024-07-10. Review status: no assertion criteria provided. Collection method: clinical testing. Allele origin: germline.
Comment: The PHIP c.2048C>T variant is predicted to result in the amino acid substitution p.Ser683Leu. To our knowledge, this variant has not been reported in the literature or in a large population database, indicating this variant is rare. At this time, the clinical significance of this variant is uncertain due to the absence of conclusive functional and genetic evidence.